The following is an entry in ClinVar:

ClinVar aggregate classification (germline): Uncertain significance (1 of 4 stars; one submission).

Conditions:
Inborn genetic diseases. Identifiers: MedGen C0950123, MeSH D030342.

gnomAD v4.1: 4 of 1,613,704 alleles (0.00025%); highest among the groups gnomAD compares: Non-Finnish European, 0.00034%; no homozygotes.

Submission:

Ambry Genetics
Classification: Uncertain significance for Inborn genetic diseases. Last evaluated: 2026-06-15. Review status: criteria provided, single submitter. Criteria: Ambry Variant Classification Scheme 2023. Collection method: clinical testing. Allele origin: germline.
Comment: The p.K1087Q variant (also known as c.3259A>C), located in coding exon 14 of the FANCM gene, results from an A to C substitution at nucleotide position 3259. The lysine at codon 1087 is replaced by glutamine, an amino acid with similar properties. This amino acid position is conserved. In addition, this alteration is predicted to be tolerated by in silico analysis. Based on the available evidence, the clinical significance of this variant remains unclear.

NM_020937.4(FANCM):c.3259A>C (p.Lys1087Gln)

Gene: FANCM (FA complementation group M; plus strand). Cytogenetic location: 14q21.2.
Variant type: single nucleotide variant.
Coding change: c.3259A>C on transcript NM_020937.4 (MANE Select); coding-DNA position 3259, A replaced by C.
Protein change: p.Lys1087Gln; replaces lysine 1087 with glutamine.
Molecular consequence: missense variant.
Genome position (GRCh38, 1-based): chr14:45,176,013, A>C. VCF-style: chr14-45176013-A-C. GRCh37 (hg19) VCF-style: chr14-45645216-A-C.
Other names: c.3181A>C, p.Lys1061Gln (NM_001308133.2); short protein forms K1061Q, K1087Q.
Identifiers: ClinVar variation 5036552 (VCV005036552.1).